The following is an entry in ClinVar:

NM_152384.3(BBS5):c.357A>G (p.Arg119=)

Gene: BBS5 (Bardet-Biedl syndrome 5; plus strand). Cytogenetic location: 2q31.1.
Variant type: single nucleotide variant.
Coding change: c.357A>G on transcript NM_152384.3 (MANE Select); coding-DNA position 357, A replaced by G.
Protein change: p.Arg119=; no amino-acid change (arginine 119 retained).
Molecular consequence: synonymous variant.
Genome position (GRCh38, 1-based): chr2:169,488,085, A>G. VCF-style: chr2-169488085-A-G. GRCh37 (hg19) VCF-style: chr2-170344595-A-G.
Other names: c.357A>G (NM_152384.2).
Identifiers: ClinVar variation 3633176 (VCV003633176.3).

ClinVar aggregate classification (germline): Likely benign. Review status: criteria provided, multiple submitters, no conflicts (2 of 4 stars). 2 submissions from 2 submitters: Likely benign (2). Last evaluated 2026-07-14.

Conditions:
Bardet-Biedl syndrome (BBS). Identifiers: Orphanet 110, MedGen C0752166, MONDO:0015229.
BBS5-related disorder. Also called: BBS5-related condition.

gnomAD v4.1: 1 of 1,613,356 alleles (0.000062%); highest among the groups gnomAD compares: Non-Finnish European, 0.000085%; no homozygotes.

Submissions (2):

PreventionGenetics, part of Exact Sciences
Classification: Likely benign for BBS5-related condition. Last evaluated: 2026-07-14. Review status: criteria provided, single submitter. Criteria: ACMG Guidelines, 2015. Collection method: clinical testing. Allele origin: germline.
Comment: This variant is classified as likely benign based on ACMG/AMP sequence variant interpretation guidelines (Richards et al. 2015 PMID: 25741868, with internal and published modifications).

Labcorp Genetics (formerly Invitae), Labcorp
Classification: Likely benign for Bardet-Biedl syndrome. Last evaluated: 2024-01-24. Review status: criteria provided, single submitter. Criteria: Invitae Variant Classification Sherloc (09022015). Collection method: clinical testing. Allele origin: germline.